The following is an entry in ClinVar:

NM_153766.3(KCNJ1):c.601C>T (p.Leu201Phe)

Gene: KCNJ1 (potassium inwardly rectifying channel subfamily J member 1; minus strand). Cytogenetic location: 11q24.3.
Variant type: single nucleotide variant.
Coding change: c.601C>T on transcript NM_153766.3 (MANE Select); coding-DNA position 601, C replaced by T.
Protein change: p.Leu201Phe; replaces leucine 201 with phenylalanine.
Molecular consequence: missense variant.
Genome position (GRCh38, 1-based): chr11:128,839,643, G>A on the plus strand (C>T on the coding strand, the complement: KCNJ1 is on the minus strand). VCF-style: chr11-128839643-G-A. GRCh37 (hg19) VCF-style: chr11-128709538-G-A.
Other names: c.601C>T (NM_153766.2); c.658C>T (NM_000220.5); c.658C>T, p.Leu220Phe (NM_000220.6); c.601C>T, p.Leu201Phe (NM_153764.3, NM_153767.4); c.652C>T, p.Leu218Phe (NM_153765.3); short protein forms L218F, L220F, L201F.
Identifiers: ClinVar variation 872043 (VCV000872043.72), dbSNP rs200320892, ClinGen allele CA6357488.

ClinVar aggregate classification (germline): Conflicting classifications of pathogenicity. Review status: criteria provided, conflicting classifications (1 of 4 stars). 17 submissions from 17 submitters: Pathogenic (13); Likely pathogenic (3); Uncertain significance (1). Last evaluated 2026-03-26.

Conditions:
Bartter disease type 2. Also called: Bartter syndrome, type 2, antenatal; HYPOKALEMIC ALKALOSIS WITH HYPERCALCIURIA 2, ANTENATAL; HYPERPROSTAGLANDIN E SYNDROME 2. Identifiers: Orphanet 112, Orphanet 620220, MedGen C1855849, MONDO:0009424, OMIM 241200.
KCNJ1-related disorders.
KCNJ1-related disorder. Also called: KCNJ1-related condition.
Bartter syndrome. Identifiers: Orphanet 112, MedGen C0004775, MONDO:0015231.

Allele frequency attached by ClinVar (database versions not stated): 1000 Genomes Project 0.00040; gnomAD 0.00004 and 0.00013; TOPMed 0.00004; gnomAD exomes 0.00018 and 0.00036; 1000 Genomes Project 30x 0.00031; ExAC 0.00039.
gnomAD v4.1: 281 of 1,613,674 alleles (0.017%); highest among the groups gnomAD compares: South Asian, 0.24%; 3 homozygotes.

Submissions 1 to 12 of 17:

Institute of Human Genetics, University of Leipzig Medical Center
Classification: Likely pathogenic for Bartter disease type 2. Last evaluated: 2026-03-26. Review status: criteria provided, single submitter. Criteria: ACMG Guidelines, 2015. Collection method: clinical testing. Allele origin: unknown. Inheritance: Autosomal recessive inheritance. Affected: yes.
Comment: Criteria applied: PS3_MOD,PM3,PM1_SUP,PM5_SUP,PP3

Labcorp Genetics (formerly Invitae), Labcorp
Classification: Pathogenic. Last evaluated: 2026-01-06. Review status: criteria provided, single submitter. Criteria: Invitae Variant Classification Sherloc (09022015). Collection method: clinical testing. Allele origin: germline.
Comment: This sequence change replaces leucine, which is neutral and non-polar, with phenylalanine, which is neutral and non-polar, at codon 220 of the KCNJ1 protein (p.Leu220Phe). This variant is present in population databases (rs200320892, gnomAD 0.2%). This missense change has been observed in individuals with Bartter syndrome (PMID: 9502574, 10611379, 24400161, 24659592, 24696311, 29942493). It has also been observed to segregate with disease in related individuals. ClinVar contains an entry for this variant (Variation ID: 872043). An algorithm developed to predict the effect of missense changes on protein structure and function (PolyPhen-2) suggests that this variant is likely to be disruptive. Experimental studies have shown that this missense change affects KCNJ1 function (PMID: 10611379, 12911542, 24400161). For these reasons, this variant has been classified as Pathogenic.

PreventionGenetics, part of Exact Sciences
Classification: Pathogenic for KCNJ1-related condition. Last evaluated: 2025-11-06. Review status: criteria provided, single submitter. Criteria: ACMG Guidelines, 2015. Collection method: clinical testing. Allele origin: germline.
Comment: The KCNJ1 c.658C>T variant is predicted to result in the amino acid substitution p.Leu220Phe. This variant has been reported in both the compound heterozygous and homozygous states in multiple individuals with a mild to severe clinical presentation of Bartter syndrome (Vollmer et al. 1998. PubMed ID: 9502574; Srivastava et al. 2013. PubMed ID: 24400161; Huang et al. 2014. PubMed ID: 24659592; Jayasinghe et al. 2020. PubMed ID: 32939031; Elfert et al. 2020. PubMed ID: 32997650; Saha et al. 2022. PubMed ID: 35195872). In vitro studies suggest expression of this variant impacts potassium channel activity (Kunzelmann et al. 2000. PubMed ID: 10878442; Srivastava et al. 2013. PubMed ID: 24400161). This variant is reported in 0.24% of alleles in individuals of South Asian descent in gnomAD, including one homozygote. This variant is interpreted as pathogenic.

Rare Kidney Stone Consortium and the Mayo Clinic Hyperoxaluria Center, Mayo Clinic
Classification: Pathogenic for Bartter disease type 2. Last evaluated: 2025-10-03. Review status: criteria provided, single submitter. Criteria: ACMG Guidelines, 2015. Collection method: research. Allele origin: germline. Affected: yes. Observed: 1 variant allele.
Comment: ACMG:PS1, PS3, PM1, PM2, PP3, PP4

GeneDx
Classification: Likely pathogenic. Last evaluated: 2025-01-22. Review status: criteria provided, single submitter. Criteria: GeneDx Variant Classification Process June 2021. Collection method: clinical testing. Allele origin: germline. Affected: yes.
Comment: Observed in several unrelated patients with Bartter syndrome and/or nephrocalcinosis in published literature (PMID: 24659592, 32939031, 35195872, 24400161, 9502574); Published functional studies suggest a damaging effect (Peters et al., 2003; Srivastava et al., 2013); In silico analysis indicates that this missense variant does not alter protein structure/function; This variant is associated with the following publications: (PMID: 10878442, 12911542, 10611379, 34426522, 32997650, 32939031, 24659592, 35195872, 29942493, 36638864, 39478534, 36964972, 37464296, 37956218, 24400161, 9502574, 24696311)

Blueprint Genetics
Classification: Pathogenic for KCNJ1-related disorders. Last evaluated: 2024-09-05. Review status: criteria provided, single submitter. Criteria: ACMG Guidelines, 2015. Collection method: clinical testing. Allele origin: germline. Affected: yes. Observed: 5 variant alleles.

Women's Health and Genetics/Laboratory Corporation of America, LabCorp
Classification: Pathogenic for Bartter syndrome. Last evaluated: 2024-08-02. Review status: criteria provided, single submitter. Criteria: LabCorp Variant Classification Summary - May 2015. Collection method: clinical testing. Allele origin: germline.
Comment: Variant summary: KCNJ1 c.658C>T (p.Leu220Phe) results in a non-conservative amino acid change located in the C-terminal domain (IPR041647) of the encoded protein sequence. Four of five in-silico tools predict a damaging effect of the variant on protein function. The variant allele was found at a frequency of 0.00036 in 249254 control chromosomes, predominantly at a frequency of 0.0024 within the South Asian subpopulation in the gnomAD database, including 1 homozygote. The observed variant frequency within South Asian control individuals in the gnomAD database is approximately 2-fold of the estimated maximal expected allele frequency for a pathogenic variant in KCNJ1 causing Bartter Syndrome, Type 2 phenotype (0.0011), suggesting that the variant might be a benign polymorphism. However, the variant c.658C>T, has also been reported in the literature in compound heterozygous and homozygous state, in individuals (mostly of South Asian or Middle Eastern origin) who were affected with Bartter Syndrome, Type 2, where homozygotes were described to have a milder, adult onset phenotype (e.g. Vollmer_1998, Kunzelmann_2000, Srivastava_2013, Sharma_2014, Huang_2014, Jayasinghe_2021, Elfert_2020). These data indicate that the variant is very likely to be associated with disease. Publications also reported experimental evidence evaluating an impact on protein function, and while an early in vitro study demonstrated no major functional impact (Kunzelmann_2000), a later study described a partial loss of function when the L220F variant was expressed alone (i.e. mimicking a homozygous state), while it almost completely abolished channel activity when co-expressed together with another variant (S219R, i.e. mimicking a compound heterozygous state), in addition, the variant also affected phosphatidylinositol 4,5-bisphosphate (PIP2)-dependent gating of the channel (Srivastava_2013). ClinVar contains an entry for this variant (Variation ID: 872043). Based on the evidence outlined above, the variant was classified as pathogenic.

Fulgent Genetics
Classification: Likely pathogenic for Bartter disease type 2. Last evaluated: 2024-04-26. Review status: criteria provided, single submitter. Criteria: ACMG Guidelines, 2015. Collection method: clinical testing. Allele origin: germline.

Genomic Medicine Center of Excellence, King Faisal Specialist Hospital and Research Centre
Classification: Uncertain significance for Bartter disease type 2. Last evaluated: 2024-03-29. Review status: criteria provided, single submitter. Criteria: ACMG Guidelines, 2015. Collection method: clinical testing. Allele origin: germline.

Institute of Medical Genetics and Genomics, Sir Ganga Ram Hospital
Classification: Pathogenic for Bartter disease type 2. Last evaluated: 2023-10-28. Review status: criteria provided, single submitter. Criteria: ACMG Guidelines, 2015. Collection method: clinical testing. Allele origin: germline. Inheritance: Autosomal recessive inheritance. Affected: yes. Observed: 1 compound heterozygote.
Comment: This nucleotide change is present in gnomAD database with a low allele frequency 0.0357% [PM2]. Insilico prediction [REVEL=0.71] predicts deleterious nature of this variant [PP3]. The variant is identified in trans [PM3] with another variant p.Thr191Pro. A clinvar entry for this variant is available. This variant is submitted to clinvar database [Variation ID: 7116] with “Conflicting interpretation of pathogenecity”, [Pathogenic (7), Likely Pathogenic (1), Uncertain Significance (1)” by multiple submitters [PP5]. Based on the clinical correlation and available evidence, this variant is classified as "Pathogenic".

Revvity Omics, Revvity
Classification: Pathogenic for Bartter disease type 2. Last evaluated: 2023-10-26. Review status: criteria provided, single submitter. Criteria: ACMG Guidelines, 2015. Collection method: clinical testing. Allele origin: germline.

Intergen Genetics and Rare Diseases Diagnosis Center
Classification: Pathogenic for Bartter disease type 2. Last evaluated: 2023-10-10. Review status: criteria provided, single submitter. Criteria: ACMG Guidelines, 2015. Collection method: clinical testing. Allele origin: germline. Inheritance: Autosomal recessive inheritance. Affected: no. Observed: 1 heterozygote.